The following is an entry in ClinVar:

NM_001371986.1(UNC80):c.3G>A (p.Met1Ile)

Gene: UNC80 (unc-80 subunit of NALCN channel complex; plus strand). Cytogenetic location: 2q34.
Variant type: single nucleotide variant.
Coding change: c.3G>A on transcript NM_001371986.1 (MANE Select); coding-DNA position 3, G replaced by A.
Protein change: p.Met1Ile; changes the start codon (methionine 1).
Molecular consequence: missense variant, initiator codon variant.
Genome position (GRCh38, 1-based): chr2:209,772,075, G>A. VCF-style: chr2-209772075-G-A. GRCh37 (hg19) VCF-style: chr2-210636799-G-A.
Other names: c.3G>A, p.Met1Ile (NM_032504.2, NM_182587.4); short protein forms M1I.
Identifiers: ClinVar variation 2024432 (VCV002024432.5), dbSNP rs1320703715, ClinGen allele CA350124064.
Genomic context (GRCh38, chr2:209,772,075, plus strand): 5'-GGCGGCTAGCGAGGAGACAGAGCTGGGTCCTGCAGTAGGACTCCCGGGAGCCACCATTAT[G>A]GTGAAGAGGAAGAGCTCCGAGGGCCAGGAGCAGGACGGCGGCCGCGGCATCCCCCTGCCC-3'
Protein context (NP_001358915.1, residues 1-11): [Met1Ile]VKRKSSEGQE

ClinVar aggregate classification (germline): Uncertain significance (1 of 4 stars; one submission).

Submission:

Labcorp Genetics (formerly Invitae), Labcorp
Classification: Uncertain significance. Last evaluated: 2022-08-17. Review status: criteria provided, single submitter. Criteria: Invitae Variant Classification Sherloc (09022015). Collection method: clinical testing. Allele origin: germline.
Comment: In summary, the available evidence is currently insufficient to determine the role of this variant in disease. Therefore, it has been classified as a Variant of Uncertain Significance. Experimental studies and prediction algorithms are not available or were not evaluated, and the functional significance of this variant is currently unknown. This variant has not been reported in the literature in individuals affected with UNC80-related conditions. This variant is not present in population databases (gnomAD no frequency). This sequence change affects the initiator methionine of the UNC80 mRNA. The next in-frame methionine is located at codon 119.